The following is an entry in ClinVar:

NM_000092.5(COL4A4):c.4759C>G (p.Pro1587Ala)

Gene: COL4A4 (collagen type IV alpha 4 chain; minus strand). Cytogenetic location: 2q36.3.
Variant type: single nucleotide variant.
Coding change: c.4759C>G on transcript NM_000092.5 (MANE Select); coding-DNA position 4759, C replaced by G.
Protein change: p.Pro1587Ala; replaces proline 1587 with alanine.
Molecular consequence: missense variant.
Genome position (GRCh38, 1-based): chr2:227,008,068, G>C on the plus strand (C>G on the coding strand, the complement: COL4A4 is on the minus strand). VCF-style: chr2-227008068-G-C. GRCh37 (hg19) VCF-style: chr2-227872784-G-C.
Other names: short protein forms P1587A.
Identifiers: ClinVar variation 3373063 (VCV003373063.2).

ClinVar aggregate classification (germline): Uncertain significance. Review status: criteria provided, multiple submitters, no conflicts (2 of 4 stars). 2 submissions from 2 submitters: Uncertain significance (2). Last evaluated 2024-04-26.

Conditions:
Autosomal recessive Alport syndrome (ATS2). Also called: COL4A3-Related Nephropathy; COL4A4 Alport Syndrome and Thin Basement Membrane Nephropathy; ALPORT SYNDROME 2, AUTOSOMAL RECESSIVE; Alport syndrome type 2. Identifiers: Orphanet 63, Orphanet 88919, MedGen C4746745, MONDO:0008762, OMIM 203780.
Hematuria, benign familial, 1 (BFH1). Also called: THIN MEMBRANE NEPHROPATHY. Identifiers: MedGen CN376803, MONDO:0007709, OMIM 141200.

Submissions (2):

GeneDx
Classification: Uncertain significance. Last evaluated: 2024-04-26. Review status: criteria provided, single submitter. Criteria: GeneDx Variant Classification Process June 2021. Collection method: clinical testing. Allele origin: germline. Affected: yes.
Comment: Not observed at significant frequency in large population cohorts (gnomAD); In silico analysis supports that this missense variant has a deleterious effect on protein structure/function; Has not been previously published as pathogenic or benign to our knowledge

Fulgent Genetics
Classification: Uncertain significance for Hematuria, benign familial, 1; Autosomal recessive Alport syndrome. Last evaluated: 2024-01-20. Review status: criteria provided, single submitter. Criteria: ACMG Guidelines, 2015. Collection method: clinical testing. Allele origin: germline.